The following is an entry in ClinVar:

NM_001440.4(EXTL3):c.1678G>T (p.Ala560Ser)

Gene: EXTL3 (exostosin like glycosyltransferase 3; plus strand). Cytogenetic location: 8p21.1.
Variant type: single nucleotide variant.
Coding change: c.1678G>T on transcript NM_001440.4 (MANE Select); coding-DNA position 1678, G replaced by T.
Protein change: p.Ala560Ser; replaces alanine 560 with serine.
Molecular consequence: missense variant.
Genome position (GRCh38, 1-based): chr8:28,717,737, G>T. VCF-style: chr8-28717737-G-T. GRCh37 (hg19) VCF-style: chr8-28575254-G-T.
Other names: c.1678G>T (NM_001440.2); short protein forms A560S.
Identifiers: ClinVar variation 2178940 (VCV002178940.2), dbSNP rs756512091, ClinGen allele CA4696264.

ClinVar aggregate classification (germline): Uncertain significance. Review status: criteria provided, multiple submitters, no conflicts (2 of 4 stars). 2 submissions from 2 submitters: Uncertain significance (2). Last evaluated 2025-01-19.

Conditions:
Inborn genetic diseases. Identifiers: MedGen C0950123, MeSH D030342.

Allele frequency attached by ClinVar (database versions not stated): gnomAD 0.00001; ExAC 0.00002; gnomAD exomes 0.00004; TOPMed 0.00004.
gnomAD v4.1: 52 of 1,614,144 alleles (0.0032%); highest among the groups gnomAD compares: Middle Eastern, 0.12%; no homozygotes.

Submissions (2):

Ambry Genetics
Classification: Uncertain significance for Inborn genetic diseases. Last evaluated: 2025-01-19. Review status: criteria provided, single submitter. Criteria: Ambry Variant Classification Scheme 2023. Collection method: clinical testing. Allele origin: germline.

Labcorp Genetics (formerly Invitae), Labcorp
Classification: Uncertain significance. Last evaluated: 2022-01-19. Review status: criteria provided, single submitter. Criteria: Invitae Variant Classification Sherloc (09022015). Collection method: clinical testing. Allele origin: germline.
Comment: This sequence change replaces alanine, which is neutral and non-polar, with serine, which is neutral and polar, at codon 560 of the EXTL3 protein (p.Ala560Ser). This variant is present in population databases (rs756512091, gnomAD 0.005%). This variant has not been reported in the literature in individuals affected with EXTL3-related conditions. Algorithms developed to predict the effect of missense changes on protein structure and function (SIFT, PolyPhen-2, Align-GVGD) all suggest that this variant is likely to be tolerated. In summary, the available evidence is currently insufficient to determine the role of this variant in disease. Therefore, it has been classified as a Variant of Uncertain Significance.